The following is an entry in ClinVar:

NM_004990.4(MARS1):c.542C>T (p.Pro181Leu)

Gene: MARS1 (methionyl-tRNA synthetase 1; plus strand). Cytogenetic location: 12q13.3.
Variant type: single nucleotide variant.
Coding change: c.542C>T on transcript NM_004990.4 (MANE Select); coding-DNA position 542, C replaced by T.
Protein change: p.Pro181Leu; replaces proline 181 with leucine.
Molecular consequence: missense variant.
Genome position (GRCh38, 1-based): chr12:57,490,258, C>T. VCF-style: chr12-57490258-C-T. GRCh37 (hg19) VCF-style: chr12-57884041-C-T.
Other names: short protein forms P181L.
Identifiers: ClinVar variation 2926783 (VCV002926783.3), dbSNP rs1333749509, ClinGen allele CA385491891.

ClinVar aggregate classification (germline): Uncertain significance (1 of 4 stars; one submission).

Conditions:
Charcot-Marie-Tooth disease axonal type 2U. Also called: CHARCOT-MARIE-TOOTH NEUROPATHY, TYPE 2U; CHARCOT-MARIE-TOOTH DISEASE, AXONAL, AUTOSOMAL DOMINANT, TYPE 2U. Identifiers: Orphanet 397735, MedGen C4084821, MONDO:0014566, OMIM 616280.
Severe early-onset pulmonary alveolar proteinosis due to MARS deficiency. Also called: PULMONARY ALVEOLAR PROTEINOSIS, REUNION ISLAND; Interstitial lung and liver disease. Identifiers: Orphanet 440427, MedGen C4225400, MONDO:0014206, OMIM 615486.

Allele frequency attached by ClinVar (database versions not stated): TOPMed below 0.00001.

Submission:

Labcorp Genetics (formerly Invitae), Labcorp
Classification: Uncertain significance for Charcot-Marie-Tooth disease axonal type 2U; Severe early-onset pulmonary alveolar proteinosis due to MARS deficiency. Last evaluated: 2024-05-23. Review status: criteria provided, single submitter. Criteria: Invitae Variant Classification Sherloc (09022015). Collection method: clinical testing. Allele origin: germline.
Comment: This sequence change replaces proline, which is neutral and non-polar, with leucine, which is neutral and non-polar, at codon 181 of the MARS protein (p.Pro181Leu). This variant is not present in population databases (gnomAD no frequency). This variant has not been reported in the literature in individuals affected with MARS-related conditions. An algorithm developed to predict the effect of missense changes on protein structure and function (PolyPhen-2) suggests that this variant is likely to be tolerated. In summary, the available evidence is currently insufficient to determine the role of this variant in disease. Therefore, it has been classified as a Variant of Uncertain Significance.